The following is an entry in ClinVar:

ClinVar aggregate classification (germline): Pathogenic (1 of 4 stars; one submission).

Conditions:
Mucopolysaccharidosis, MPS-II (MPS2). Also called: Attenuated MPS (subtype; formerly known as mild MPS II); Severe MPS II; I2S deficiency; MPS 2; Hunter Syndrome; IDURONATE 2-SULFATASE DEFICIENCY. Identifiers: Orphanet 580, Orphanet 79388, MedGen C0026705, MONDO:0010674, OMIM 309900.

Submission:

Labcorp Genetics (formerly Invitae), Labcorp
Classification: Pathogenic for Mucopolysaccharidosis, MPS-II. Last evaluated: 2024-07-08. Review status: criteria provided, single submitter. Criteria: Invitae Variant Classification Sherloc (09022015). Collection method: clinical testing. Allele origin: germline.
Comment: This sequence change creates a premature translational stop signal (p.Ser132*) in the IDS gene. It is expected to result in an absent or disrupted protein product. Loss-of-function variants in IDS are known to be pathogenic (PMID: 8940265, 9875019). This variant is not present in population databases (gnomAD no frequency). This variant has not been reported in the literature in individuals affected with IDS-related conditions. Algorithms developed to predict the effect of sequence changes on RNA splicing suggest that this variant may disrupt the consensus splice site. For these reasons, this variant has been classified as Pathogenic.

Literature cited by the submitters: PubMed 8940265; PubMed 9875019.

NM_000202.8(IDS):c.395C>A (p.Ser132Ter)

Gene: IDS (iduronate 2-sulfatase; minus strand). Cytogenetic location: Xq28.
Variant type: single nucleotide variant.
Coding change: c.395C>A on transcript NM_000202.8 (MANE Select); coding-DNA position 395, C replaced by A.
Protein change: p.Ser132Ter; replaces serine 132 with a stop codon.
Molecular consequence: nonsense. On other transcripts: non-coding transcript variant (1).
Genome position (GRCh38, 1-based): chrX:149,503,335, G>T on the plus strand (C>A on the coding strand, the complement: IDS is on the minus strand). VCF-style: chrX-149503335-G-T. GRCh37 (hg19) VCF-style: chrX-148584865-G-T.
Other names: c.125C>A, p.Ser42Ter (NM_001166550.4); c.395C>A, p.Ser132Ter (NM_006123.5); short protein forms S42*, S132*.
Identifiers: ClinVar variation 3658743 (VCV003658743.2).